The following is an entry in ClinVar:

ClinVar aggregate classification (germline): Conflicting classifications of pathogenicity. Review status: criteria provided, conflicting classifications (1 of 4 stars). 7 submissions from 7 submitters: Uncertain significance (1); Benign (2); Likely benign (4). Last evaluated 2026-01-16.

Conditions:
Inborn genetic diseases. Identifiers: MedGen C0950123, MeSH D030342.
Intellectual developmental disorder, autosomal dominant 6, with or without seizures. Also called: Intellectual disability, autosomal dominant 6; GRIN2B-related developmental delay, intellectual disability and autism spectrum disorder. Identifiers: Orphanet 589547, MedGen C3151411, MONDO:0013509, OMIM 613970.
Developmental and epileptic encephalopathy, 27 (DEE27). Also called: Epileptic encephalopathy, early infantile, 27; GRIN2B-Related Neurodevelopmental Disorder. Identifiers: Orphanet 3451, MedGen C4015316, MONDO:0014505, OMIM 616139.

Allele frequency attached by ClinVar (database versions not stated): TOPMed 0.00019; gnomAD 0.00029; ESP Exome Variant Server 0.00031; ExAC 0.00033.
gnomAD v4.1: 742 of 1,614,060 alleles (0.046%); highest among the groups gnomAD compares: Non-Finnish European, 0.061%; 1 homozygote.

Submissions (7):

Women's Health and Genetics/Laboratory Corporation of America, LabCorp
Classification: Uncertain significance. Last evaluated: 2026-01-16. Review status: criteria provided, single submitter. Criteria: LabCorp Variant Classification Summary - May 2015. Collection method: clinical testing. Allele origin: germline.
Comment: Variant summary: GRIN2B c.3799G>T (p.Ala1267Ser) results in a conservative amino acid change in the encoded protein sequence. Algorithms developed to predict the effect of missense changes on protein structure and function all suggest that this variant is likely to be tolerated. The variant allele was found at a frequency of 0.00023 in 251398 control chromosomes. This frequency is not significantly higher than estimated for disease-causing variants in GRIN2B, allowing no conclusion about variant significance. To our knowledge, no occurrence of c.3799G>T in individuals affected with GRIN2B-related conditions and no experimental evidence demonstrating its impact on protein function have been reported. ClinVar contains an entry for this variant (Variation ID: 205732). Based on the evidence outlined above, the variant was classified as uncertain significance.

Labcorp Genetics (formerly Invitae), Labcorp
Classification: Benign for Developmental and epileptic encephalopathy, 27; Intellectual developmental disorder, autosomal dominant 6, with or without seizures. Last evaluated: 2025-08-18. Review status: criteria provided, single submitter. Criteria: Invitae Variant Classification Sherloc (09022015). Collection method: clinical testing. Allele origin: germline.

Ambry Genetics
Classification: Likely benign for Inborn genetic diseases. Last evaluated: 2025-02-19. Review status: criteria provided, single submitter. Criteria: Ambry Variant Classification Scheme 2023. Collection method: clinical testing. Allele origin: germline.

ARUP Laboratories, Molecular Genetics and Genomics, ARUP Laboratories
Classification: Likely benign. Last evaluated: 2025-01-30. Review status: criteria provided, single submitter. Criteria: ARUP Molecular Germline Variant Investigation Process 2024. Collection method: clinical testing. Allele origin: germline.

Blueprint Genetics
Classification: Likely benign. Last evaluated: 2024-09-18. Review status: criteria provided, single submitter. Criteria: ACMG Guidelines, 2015. Collection method: clinical testing. Allele origin: germline.

CeGaT Center for Human Genetics Tuebingen
Classification: Likely benign. Last evaluated: 2024-07-01. Review status: criteria provided, single submitter. Criteria: CeGaT Center For Human Genetics Tuebingen Variant Classification Criteria Version 2. Collection method: clinical testing. Allele origin: germline. Affected: yes. Observed: 3 variant alleles.
Comment: GRIN2B: BP4, BS2

GeneDx
Classification: Benign. Last evaluated: 2019-09-06. Review status: criteria provided, single submitter. Criteria: GeneDx Variant Classification Process June 2021. Collection method: clinical testing. Allele origin: germline. Affected: yes.
Comment: This variant is associated with the following publications: (PMID: 20890276, 24272827, 27818011)

NM_000834.5(GRIN2B):c.3799G>T (p.Ala1267Ser)

Gene: GRIN2B (glutamate ionotropic receptor NMDA type subunit 2B; minus strand). Cytogenetic location: 12p13.1.
Variant type: single nucleotide variant.
Coding change: c.3799G>T on transcript NM_000834.5 (MANE Select); coding-DNA position 3799, G replaced by T.
Protein change: p.Ala1267Ser; replaces alanine 1267 with serine.
Molecular consequence: missense variant.
Genome position (GRCh38, 1-based): chr12:13,563,439, C>A on the plus strand (G>T on the coding strand, the complement: GRIN2B is on the minus strand). VCF-style: chr12-13563439-C-A. GRCh37 (hg19) VCF-style: chr12-13716373-C-A.
Other names: p.A1267S:GCT>TCT; short protein forms A1267S.
Identifiers: ClinVar variation 205732 (VCV000205732.45), dbSNP rs141844705, ClinGen allele CA315091.